The following is an entry in ClinVar:

NM_006208.3(ENPP1):c.1056T>G (p.Ala352=)

Gene: ENPP1 (ectonucleotide pyrophosphatase/phosphodiesterase 1; plus strand). Cytogenetic location: 6q23.2.
Variant type: single nucleotide variant.
Coding change: c.1056T>G on transcript NM_006208.3 (MANE Select); coding-DNA position 1056, T replaced by G.
Protein change: p.Ala352=; no amino-acid change (alanine 352 retained).
Molecular consequence: synonymous variant.
Genome position (GRCh38, 1-based): chr6:131,864,536, T>G. VCF-style: chr6-131864536-T-G. GRCh37 (hg19) VCF-style: chr6-132185676-T-G.
Other names: p.Ala352=.
Identifiers: ClinVar variation 193688 (VCV000193688.17), dbSNP rs150279426, ClinGen allele CA239287.
Genomic context (GRCh38, chr6:131,864,536, plus strand): 5'-TCTTTTATTTTTGTTTGTTCTTCATTTTAGTTCAGTACCATTTGAAGAAAGGATTTTAGC[T>G]GTTCTTCAGTGGCTACAGCTTCCTAAAGATGAAAGGTCTGTAGGCAATTAATTTCTATTG-3'
Protein context (NP_006199.2, residues 342-362): GSVPFEERIL[Ala352=]VLQWLQLPKD

ClinVar aggregate classification (germline): Conflicting classifications of pathogenicity. Review status: criteria provided, conflicting classifications (1 of 4 stars). 8 submissions from 7 submitters: Uncertain significance (4); Benign (1); Likely benign (3). Last evaluated 2026-01-17.

Conditions:
ENPP1-related disorder. Also called: ENPP1-related disorders; ENPP1-related condition.
Arterial calcification, generalized, of infancy, 1 (GACI1). Also called: Idiopathic Infantile Arterial Calcification. Identifiers: Orphanet 51608, MedGen C4551985, MONDO:0008817, OMIM 208000.
Hypophosphatemic rickets, autosomal recessive, 2 (ARHR2). Identifiers: Orphanet 289176, MedGen C2750078, MONDO:0013219, OMIM 613312.

Allele frequency attached by ClinVar (database versions not stated): gnomAD 0.00115 and 0.00110; ExAC 0.00034; ESP Exome Variant Server 0.00092; 1000 Genomes Project 30x 0.00094; 1000 Genomes Project 0.00100; TOPMed 0.00110.

Submissions (8):

Labcorp Genetics (formerly Invitae), Labcorp
Classification: Benign. Last evaluated: 2026-01-17. Review status: criteria provided, single submitter. Criteria: Invitae Variant Classification Sherloc (09022015). Collection method: clinical testing. Allele origin: germline.

Mayo Clinic Laboratories, Mayo Clinic
Classification: Likely benign. Last evaluated: 2025-09-04. Review status: criteria provided, single submitter. Criteria: ACMG Guidelines, 2015. Collection method: clinical testing. Allele origin: germline. Observed: 2 variant alleles.
Comment: BS1, BP4, BP7

PreventionGenetics, part of Exact Sciences
Classification: Likely benign for ENPP1-related condition. Last evaluated: 2025-03-14. Review status: criteria provided, single submitter. Criteria: ACMG Guidelines, 2015. Collection method: clinical testing. Allele origin: germline.
Comment: This variant is classified as likely benign based on ACMG/AMP sequence variant interpretation guidelines (Richards et al. 2015 PMID: 25741868, with internal and published modifications).

Blueprint Genetics
Classification: Likely benign. Last evaluated: 2024-11-26. Review status: criteria provided, single submitter. Criteria: ACMG Guidelines, 2015. Collection method: clinical testing. Allele origin: germline.

Illumina Laboratory Services, Illumina
Classification: Uncertain significance for Hypophosphatemic rickets, autosomal recessive, 2. Last evaluated: 2018-01-13. Review status: criteria provided, single submitter. Criteria: ICSL Variant Classification Criteria 13 December 2019. Collection method: clinical testing. Allele origin: germline.

Illumina Laboratory Services, Illumina
Classification: Uncertain significance for Arterial calcification, generalized, of infancy, 1. Last evaluated: 2018-01-13. Review status: criteria provided, single submitter. Criteria: ICSL Variant Classification Criteria 13 December 2019. Collection method: clinical testing. Allele origin: germline.

Eurofins Ntd Llc (ga)
Classification: Uncertain significance. Last evaluated: 2015-05-19. Review status: criteria provided, single submitter. Criteria: EGL Classification Definitions 2015. Collection method: clinical testing. Allele origin: germline. Observed: 1 variant allele, 1 heterozygote.

Breakthrough Genomics
Classification: Uncertain significance. Review status: criteria provided, single submitter. Criteria: ACMG Guidelines, 2015. Collection method: not provided. Allele origin: germline. Inheritance: Autosomal recessive inheritance. Affected: yes.